The following is an entry in ClinVar:

NM_000088.4(COL1A1):c.758G>A (p.Arg253Gln)

Genes: COL1A1 (collagen type I alpha 1 chain; minus strand), LOC126862586 (CDK7 strongly-dependent group 2 enhancer GRCh37_chr17:48273702-48274901; plus strand). Cytogenetic location: 17q21.33.
Variant type: single nucleotide variant.
Coding change: c.758G>A on transcript NM_000088.4 (MANE Select); coding-DNA position 758, G replaced by A.
Protein change: p.Arg253Gln; replaces arginine 253 with glutamine.
Molecular consequence: missense variant.
Genome position (GRCh38, 1-based): chr17:50,197,056, C>T on the plus strand (G>A on the coding strand, the complement: COL1A1 is on the minus strand). VCF-style: chr17-50197056-C-T. GRCh37 (hg19) VCF-style: chr17-48274417-C-T.
Other names: short protein forms R253Q.
Identifiers: ClinVar variation 1446488 (VCV001446488.6), dbSNP rs1191323992, ClinGen allele CA400223959.

ClinVar aggregate classification (germline): Uncertain significance (1 of 4 stars; one submission).

Conditions:
Osteogenesis imperfecta type I (OI1). Also called: Lobstein disease; OI, TYPE I; OSTEOGENESIS IMPERFECTA TARDA; OSTEOGENESIS IMPERFECTA WITH BLUE SCLERAE; Lobstein's Disease; Classic Non-deforming Osteogenesis Imperfecta with Blue Sclerae. Identifiers: Orphanet 216796, Orphanet 666, MedGen C0023931, MONDO:0008146, OMIM 166200. Disease mechanism: loss of function.

Allele frequency attached by ClinVar (database versions not stated): gnomAD exomes below 0.00001.
gnomAD v4.1: 2 of 1,614,134 alleles (0.00012%); highest among the groups gnomAD compares: Admixed American, 0.0017%; no homozygotes.

Submission:

Labcorp Genetics (formerly Invitae), Labcorp
Classification: Uncertain significance for Osteogenesis imperfecta type I. Last evaluated: 2021-08-19. Review status: criteria provided, single submitter. Criteria: Invitae Variant Classification Sherloc (09022015). Collection method: clinical testing. Allele origin: germline.
Comment: In summary, the available evidence is currently insufficient to determine the role of this variant in disease. Therefore, it has been classified as a Variant of Uncertain Significance. Advanced modeling of protein sequence and biophysical properties (such as structural, functional, and spatial information, amino acid conservation, physicochemical variation, residue mobility, and thermodynamic stability) performed at Invitae indicates that this missense variant is not expected to disrupt COL1A1 protein function. This variant has not been reported in the literature in individuals affected with COL1A1-related conditions. This variant is not present in population databases (ExAC no frequency). This sequence change replaces arginine with glutamine at codon 253 of the COL1A1 protein (p.Arg253Gln). The arginine residue is highly conserved and there is a small physicochemical difference between arginine and glutamine.